The following is an entry in ClinVar:

ClinVar aggregate classification (germline): Uncertain significance. Review status: criteria provided, multiple submitters, no conflicts (2 of 4 stars). 4 submissions from 4 submitters: Uncertain significance (4). Last evaluated 2025-07-20.

Conditions:
Inborn genetic diseases. Identifiers: MedGen C0950123, MeSH D030342.

Allele frequency attached by ClinVar (database versions not stated): gnomAD exomes 0.00007; gnomAD 0.00011; ExAC 0.00015; TOPMed 0.00031; 1000 Genomes Project 30x 0.00047; 1000 Genomes Project 0.00060.
gnomAD v4.1: 126 of 1,603,642 alleles (0.0079%); highest among the groups gnomAD compares: Admixed American, 0.027%; no homozygotes.

Submissions (4):

Labcorp Genetics (formerly Invitae), Labcorp
Classification: Uncertain significance. Last evaluated: 2025-07-20. Review status: criteria provided, single submitter. Criteria: Invitae Variant Classification Sherloc (09022015). Collection method: clinical testing. Allele origin: germline.
Comment: This sequence change replaces valine, which is neutral and non-polar, with methionine, which is neutral and non-polar, at codon 203 of the SLC26A1 protein (p.Val203Met). This variant is present in population databases (rs200417386, gnomAD 0.01%). This variant has not been reported in the literature in individuals affected with SLC26A1-related conditions. ClinVar contains an entry for this variant (Variation ID: 3163824). Invitae Evidence Modeling of protein sequence and biophysical properties (such as structural, functional, and spatial information, amino acid conservation, physicochemical variation, residue mobility, and thermodynamic stability) indicates that this missense variant is not expected to disrupt SLC26A1 protein function with a negative predictive value of 80%. In summary, the available evidence is currently insufficient to determine the role of this variant in disease. Therefore, it has been classified as a Variant of Uncertain Significance.

Blueprint Genetics
Classification: Uncertain significance. Last evaluated: 2024-02-27. Review status: criteria provided, single submitter. Criteria: ACMG Guidelines, 2015. Collection method: clinical testing. Allele origin: germline.

Mayo Clinic Laboratories, Mayo Clinic
Classification: Uncertain significance. Last evaluated: 2023-09-27. Review status: criteria provided, single submitter. Criteria: ACMG Guidelines, 2015. Collection method: clinical testing. Allele origin: germline. Observed: 1 variant allele.

Ambry Genetics
Classification: Uncertain significance for Inborn genetic diseases. Last evaluated: 2021-08-30. Review status: criteria provided, single submitter. Criteria: Ambry Variant Classification Scheme 2023. Collection method: clinical testing. Allele origin: germline.

NM_022042.4(SLC26A1):c.607G>A (p.Val203Met)

Genes: IDUA (alpha-L-iduronidase; plus strand), SLC26A1 (solute carrier family 26 member 1; minus strand). Cytogenetic location: 4p16.3.
Variant type: single nucleotide variant.
Coding change: c.607G>A on transcript NM_022042.4 (MANE Select); coding-DNA position 607, G replaced by A.
Protein change: p.Val203Met; replaces valine 203 with methionine.
Molecular consequence: missense variant. On other transcripts: intron variant (2).
Genome position (GRCh38, 1-based): chr4:990,332, C>T on the plus strand (G>A on the coding strand, the complement: SLC26A1 is on the minus strand). VCF-style: chr4-990332-C-T. GRCh37 (hg19) VCF-style: chr4-984120-C-T.
Other names: p.Val203Met; c.607G>A, p.Val203Met (NM_213613.4); c.576+796G>A (NM_134425.4); c.299+2383C>T (NM_000203.5); short protein forms V203M.
Identifiers: ClinVar variation 3163824 (VCV003163824.4), dbSNP rs200417386, ClinGen allele CA2801594.